The following is an entry in ClinVar:

ClinVar aggregate classification (germline): Uncertain significance (1 of 4 stars; one submission).

Conditions:
Muscular dystrophy-dystroglycanopathy (congenital with impaired intellectual development), type B, 2. Also called: Muscular dystrophy-dystroglycanopathy (congenital with intellectual disability), type B2; MUSCULAR DYSTROPHY, CONGENITAL, POMT2-RELATED. Identifiers: MedGen C3150416, MONDO:0013160, OMIM 613156.
Autosomal recessive limb-girdle muscular dystrophy type 2N. Also called: MUSCULAR DYSTROPHY-DYSTROGLYCANOPATHY, LIMB-GIRDLE, POMT2-RELATED; Muscular dystrophy-dystroglycanopathy (limb-girdle), type C, 2. Identifiers: Orphanet 206559, MedGen C3150418, MONDO:0013162, OMIM 613158.
Muscular dystrophy-dystroglycanopathy (congenital with brain and eye anomalies), type A2. Also called: MUSCULAR DYSTROPHY-DYSTROGLYCANOPATHY (CONGENITAL WITH BRAIN AND EYE ANOMALIES), TYPE A, 2; WALKER-WARBURG SYNDROME OR MUSCLE-EYE-BRAIN DISEASE, POMT2-RELATED. Identifiers: Orphanet 588, Orphanet 899, MedGen C3150411, MONDO:0013154, OMIM 613150.

Allele frequency attached by ClinVar (database versions not stated): gnomAD exomes below 0.00001.

Submission:

Labcorp Genetics (formerly Invitae), Labcorp
Classification: Uncertain significance for Muscular dystrophy-dystroglycanopathy (congenital with impaired intellectual development), type B, 2; Muscular dystrophy-dystroglycanopathy (congenital with brain and eye anomalies), type A2; Autosomal recessive limb-girdle muscular dystrophy type 2N. Last evaluated: 2022-03-22. Review status: criteria provided, single submitter. Criteria: Invitae Variant Classification Sherloc (09022015). Collection method: clinical testing. Allele origin: germline.
Comment: In summary, the available evidence is currently insufficient to determine the role of this variant in disease. Therefore, it has been classified as a Variant of Uncertain Significance. Algorithms developed to predict the effect of missense changes on protein structure and function (SIFT, PolyPhen-2, Align-GVGD) all suggest that this variant is likely to be disruptive. This variant has not been reported in the literature in individuals affected with POMT2-related conditions. This variant is not present in population databases (gnomAD no frequency). This sequence change replaces tyrosine, which is neutral and polar, with cysteine, which is neutral and slightly polar, at codon 437 of the POMT2 protein (p.Tyr437Cys).

NM_013382.7(POMT2):c.1310A>G (p.Tyr437Cys)

Gene: POMT2 (protein O-mannosyltransferase 2; minus strand). Cytogenetic location: 14q24.3.
Variant type: single nucleotide variant.
Coding change: c.1310A>G on transcript NM_013382.7 (MANE Select); coding-DNA position 1310, A replaced by G.
Protein change: p.Tyr437Cys; replaces tyrosine 437 with cysteine.
Molecular consequence: missense variant.
Genome position (GRCh38, 1-based): chr14:77,286,766, T>C on the plus strand (A>G on the coding strand, the complement: POMT2 is on the minus strand). VCF-style: chr14-77286766-T-C. GRCh37 (hg19) VCF-style: chr14-77753109-T-C.
Other names: short protein forms Y437C.
Identifiers: ClinVar variation 2164202 (VCV002164202.2), dbSNP rs1414932826, ClinGen allele CA390517676.